The following is an entry in ClinVar:

ClinVar aggregate classification (germline): Conflicting classifications of pathogenicity. Review status: criteria provided, conflicting classifications (1 of 4 stars). 14 submissions from 13 submitters: Likely pathogenic (1); Uncertain significance (8); Likely benign (1). 4 of the submissions do not count toward it. Last evaluated 2026-01-06.

Conditions:
Cardiovascular phenotype. Identifiers: MedGen CN230736.
Desmin-related myofibrillar myopathy (MFM1). Also called: Desmin related myopathy (former name); Desmin storage myopathy (former name); DESMIN-RELATED MYOPATHY WITH ARRHYTHMOGENIC RIGHT VENTRICULAR CARDIOMYOPATHY; Myofibrillar myopathy 1; Desminopathy; MYOFIBRILLAR MYOPATHY WITH ARRHYTHMOGENIC RIGHT VENTRICULAR CARDIOMYOPATHY. Identifiers: Orphanet 363543, Orphanet 98909, MedGen C1832370, MONDO:0011076, OMIM 601419.
Dilated cardiomyopathy 1I (CMD1I). Identifiers: Orphanet 154, MedGen C1858154, MONDO:0011482, OMIM 604765.

Allele frequency attached by ClinVar (database versions not stated): TOPMed 0.00007.
gnomAD v4.1: 68 of 1,602,862 alleles (0.0042%); highest among the groups gnomAD compares: African/African-American, 0.0054%; no homozygotes.

Submissions (14):

GeneDx
Classification: Uncertain significance. Last evaluated: 2026-01-06. Review status: criteria provided, single submitter. Criteria: GeneDx Variant Classification Process June 2021. Collection method: clinical testing. Allele origin: germline. Affected: yes.
Comment: Reported in association with DCM and HCM; has been shown to segregate with cardiomyopathy in one affected relative from one family and has been observed as an apparently de novo variant in another; however, only the DES gene was analyzed in these two families (PMID: 10430757, 11728149, 30847666, 37466024); Identified in three affected relatives from one family with skeletal myopathy; however, only the DES gene was analyzed in these individuals (PMID: 12609507); Functional studies have been inconsistent in demonstrating a damaging effect (PMID: 11310634, 12609507, 17105773, 17221859, 18539904, 21262226, 28470624); In silico analysis suggests that this missense variant does not alter protein structure/function; This variant is associated with the following publications: (PMID: 36935760, 16761416, 11052860, 21262226, 17221859, 28470624, 18539904, 16979163, 30403391, 26807690, 30847666, 37466024, 17105773, 10430757, 11310634, 12609507, 11728149, 10717012)

Labcorp Genetics (formerly Invitae), Labcorp
Classification: Uncertain significance for Desmin-related myofibrillar myopathy. Last evaluated: 2025-12-31. Review status: criteria provided, single submitter. Criteria: Invitae Variant Classification Sherloc (09022015). Collection method: clinical testing. Allele origin: germline.
Comment: This sequence change replaces isoleucine, which is neutral and non-polar, with methionine, which is neutral and non-polar, at codon 451 of the DES protein (p.Ile451Met). This variant is present in population databases (rs121913002, gnomAD 0.02%). This missense change has been observed in individual(s) with DES-related conditions (PMID: 10430757, 10717012, 11728149, 30403391, 30847666). It has also been observed to segregate with disease in related individuals. ClinVar contains an entry for this variant (Variation ID: 16824). Invitae Evidence Modeling of protein sequence and biophysical properties (such as structural, functional, and spatial information, amino acid conservation, physicochemical variation, residue mobility, and thermodynamic stability) has been performed for this missense variant. However, the output from this modeling did not meet the statistical confidence thresholds required to predict the impact of this variant on DES protein function. Experimental studies have shown that this missense change affects DES function (PMID: 17105773, 17221859, 18539904, 28470624). In summary, the available evidence is currently insufficient to determine the role of this variant in disease. Therefore, it has been classified as a Variant of Uncertain Significance.

Institute of Immunology and Genetics Kaiserslautern
Classification: Uncertain significance for Dilated cardiomyopathy 1I. Last evaluated: 2025-06-25. Review status: criteria provided, single submitter. Criteria: ACMG Guidelines, 2015. Collection method: clinical testing. Allele origin: germline. Affected: yes.
Comment: ACMG Criteria: PM1, PM2_P, PP3, PP5 ; Variant was found in heterozygous state.

Blueprint Genetics
Classification: Likely benign. Last evaluated: 2024-11-07. Review status: criteria provided, single submitter. Criteria: ACMG Guidelines, 2015. Collection method: clinical testing. Allele origin: germline.

Molecular Diagnostic Laboratory for Inherited Cardiovascular Disease, Montreal Heart Institute
Classification: Likely pathogenic for Cardiovascular phenotype. Last evaluated: 2022-07-12. Review status: criteria provided, single submitter. Criteria: ACMG Guidelines, 2015. Collection method: clinical testing. Allele origin: germline. Affected: yes.

Women's Health and Genetics/Laboratory Corporation of America, LabCorp
Classification: Uncertain significance. Last evaluated: 2022-05-02. Review status: criteria provided, single submitter. Criteria: LabCorp Variant Classification Summary - May 2015. Collection method: clinical testing. Allele origin: germline.
Comment: Variant summary: DES c.1353C>G (p.Ile451Met) results in a conservative amino acid change in the encoded protein sequence. Three of five in-silico tools predict a damaging effect of the variant on protein function. The variant allele was found at a frequency of 6.4e-05 in 233386 control chromosomes. The observed variant frequency is approximately 2.1 fold of the estimated maximal expected allele frequency for a pathogenic variant in DES causing Dilated Cardiomyopathy phenotype (3.1e-05), strongly suggesting that the variant is benign. c.1353C>G has been reported in the literature in individuals affected with Dilated Cardiomyopathy (DCM) (example, Li_1999, Miyamoto_2001, van Lint_2019), in unaffected family members (example, Li_1999, Dalakas_2003), and individuals with skeletal myopathy without DCM (example, Dalakas_2000, Dalakas_2003). These data indicate that the variant may be associated with disease. At least two publications report experimental evidence evaluating an impact on protein function (example, Dalakas_2003, Mavrodis_2008). One study reported that this variant was functional and normally interacted with other intermediate filaments (Dalakas_2003) while another reported that mutant desmin loses its Z-disc localization but it can still associate with the intercalated discs, which, however, have an altered architecture, resembling other examples of dilated cardiomyopathy (Mavrodis_2008). These results however, do not allow convincing conclusions about the variant effect. Six clinical diagnostic laboratories have submitted clinical-significance assessments for this variant to ClinVar after 2014 without evidence for independent evaluation (VUS, n=5; Benign, n=1). Based on the evidence outlined above, the variant was classified as uncertain significance.

Ambry Genetics
Classification: Uncertain significance for Cardiovascular phenotype. Last evaluated: 2020-12-30. Review status: criteria provided, single submitter. Criteria: Ambry Variant Classification Scheme 2023. Collection method: clinical testing. Allele origin: germline.

Illumina Laboratory Services, Illumina
Classification: Uncertain significance for Desmin-related myofibrillar myopathy. Last evaluated: 2018-07-10. Review status: criteria provided, single submitter. Criteria: ICSL Variant Classification Criteria 13 December 2019. Collection method: clinical testing. Allele origin: germline.
Comment: This variant was observed as part of a predisposition screen in an ostensibly healthy population. A literature search was performed for the gene, cDNA change, and amino acid change (where applicable). Publications were found based on this search. However, the evidence from the literature, in combination with allele frequency data from public databases where available, was not sufficient to rule this variant in or out of causing disease. Therefore, this variant is classified as a variant of unknown significance.

Illumina Laboratory Services, Illumina
Classification: Uncertain significance for Dilated cardiomyopathy 1I. Last evaluated: 2017-11-28. Review status: criteria provided, single submitter. Criteria: ICSL Variant Classification Criteria 13 December 2019. Collection method: clinical testing. Allele origin: germline.
Comment: the same text as in the submission from Illumina Laboratory Services, Illumina above.

Eurofins Ntd Llc (ga)
Classification: Uncertain significance. Last evaluated: 2016-08-12. Review status: criteria provided, single submitter. Criteria: EGL Classification Definitions 2015. Collection method: clinical testing. Allele origin: germline. Observed: 1 variant allele, 1 heterozygote.

OMIM
Classification: Pathogenic for CARDIOMYOPATHY, DILATED, 1I. Last evaluated: 1999-08-03. Review status: no assertion criteria provided. Collection method: literature only. Allele origin: germline. Not counted in ClinVar's aggregate classification.

Clinical Genetics, Academic Medical Center
Classification: Likely pathogenic. Review status: no assertion criteria provided. Collection method: clinical testing. Allele origin: germline. Affected: yes. Study: VKGL Data-share Consensus. Not counted in ClinVar's aggregate classification.

Diagnostic Laboratory, Department of Genetics, University Medical Center Groningen
Classification: Likely pathogenic. Review status: no assertion criteria provided. Collection method: clinical testing. Allele origin: germline. Affected: yes. Study: VKGL Data-share Consensus. Not counted in ClinVar's aggregate classification.

Epithelial Biology;  Institute of Medical Biology, Singapore
No classification provided. Review status: no classification provided. Collection method: not provided. Allele origin: not provided. Not counted in ClinVar's aggregate classification.

Literature cited by the submitters: PubMed 10430757 (cited by 5 submitters); PubMed 10717012 (cited by 3 submitters); PubMed 11728149 (cited by 5 submitters); PubMed 30403391 (cited by Labcorp Genetics (formerly Invitae), Labcorp); PubMed 30847666 (cited by Labcorp Genetics (formerly Invitae), Labcorp and Women's Health and Genetics/Laboratory Corporation of America, LabCorp); PubMed 17105773 (cited by Labcorp Genetics (formerly Invitae), Labcorp and Eurofins Ntd Llc (ga)); PubMed 17221859 (cited by Labcorp Genetics (formerly Invitae), Labcorp and Illumina Laboratory Services, Illumina); PubMed 18539904 (cited by 4 submitters); PubMed 28470624 (cited by Labcorp Genetics (formerly Invitae), Labcorp); PubMed 12609507 (cited by 3 submitters); PubMed 11310634 (cited by Women's Health and Genetics/Laboratory Corporation of America, LabCorp); PubMed 21262226 (cited by Eurofins Ntd Llc (ga)).

NM_001927.4(DES):c.1353C>G (p.Ile451Met)

Gene: DES (desmin; plus strand). Cytogenetic location: 2q35.
Variant type: single nucleotide variant.
Coding change: c.1353C>G on transcript NM_001927.4 (MANE Select); coding-DNA position 1353, C replaced by G.
Protein change: p.Ile451Met; replaces isoleucine 451 with methionine.
Molecular consequence: missense variant.
Genome position (GRCh38, 1-based): chr2:219,425,727, C>G. VCF-style: chr2-219425727-C-G. GRCh37 (hg19) VCF-style: chr2-220290449-C-G.
Other names: p.I451M:ATC>ATG; c.1353C>G, p.Ile451Met (LRG_380t1); short protein forms I451M.
Identifiers: ClinVar variation 16824 (VCV000016824.28), dbSNP rs121913002, ClinGen allele CA257644.